The following is an entry in ClinVar:

ClinVar aggregate classification (germline): Uncertain significance (1 of 4 stars; one submission).

Conditions:
AUTS2-related disorder. Also called: AUTS2-related condition.

gnomAD v4.1: 1 of 1,613,838 alleles (0.000062%); highest among the groups gnomAD compares: Non-Finnish European, 0.000085%; no homozygotes.

Submission:

PreventionGenetics, part of Exact Sciences
Classification: Uncertain significance for AUTS2-related condition. Last evaluated: 2025-11-06. Review status: criteria provided, single submitter. Criteria: ACMG Guidelines, 2015. Collection method: clinical testing. Allele origin: germline.
Comment: The AUTS2 c.2729A>C variant is predicted to result in the amino acid substitution p.Lys910Thr. To our knowledge, this variant has not been reported in the literature or in a large population database (gnomAD), indicating this variant is rare. At this time, the clinical significance of this variant is uncertain due to the absence of conclusive functional and genetic evidence.

NM_015570.4(AUTS2):c.2729A>C (p.Lys910Thr)

Gene: AUTS2 (activator of transcription and developmental regulator AUTS2; plus strand). Cytogenetic location: 7q11.22.
Variant type: single nucleotide variant.
Coding change: c.2729A>C on transcript NM_015570.4 (MANE Select); coding-DNA position 2729, A replaced by C.
Protein change: p.Lys910Thr; replaces lysine 910 with threonine.
Molecular consequence: missense variant.
Genome position (GRCh38, 1-based): chr7:70,789,945, A>C. VCF-style: chr7-70789945-A-C. GRCh37 (hg19) VCF-style: chr7-70254931-A-C.
Other names: c.2657A>C, p.Lys886Thr (NM_001127231.3); short protein forms K886T, K910T.
Identifiers: ClinVar variation 4992530 (VCV004992530.1).